The following is an entry in ClinVar:

NM_005664.4(MKRN3):c.1007A>G (p.Asn336Ser)

Gene: MKRN3 (makorin ring finger protein 3; plus strand). Cytogenetic location: 15q11.2.
Variant type: single nucleotide variant.
Coding change: c.1007A>G on transcript NM_005664.4 (MANE Select); coding-DNA position 1007, A replaced by G.
Protein change: p.Asn336Ser; replaces asparagine 336 with serine.
Molecular consequence: missense variant.
Genome position (GRCh38, 1-based): chr15:23,566,789, A>G. VCF-style: chr15-23566789-A-G. GRCh37 (hg19) VCF-style: chr15-23811936-A-G.
Other names: short protein forms N336S.
Identifiers: ClinVar variation 1806781 (VCV001806781.1), dbSNP rs376939836, ClinGen allele CA267640976.

ClinVar aggregate classification (germline): Uncertain significance (1 of 4 stars; one submission).

Allele frequency attached by ClinVar (database versions not stated): gnomAD 0.00001; gnomAD exomes 0.00001; TOPMed 0.00001; ESP Exome Variant Server 0.00008.
gnomAD v4.1: 14 of 1,614,086 alleles (0.00087%); highest among the groups gnomAD compares: South Asian, 0.0022%; no homozygotes.

Submission:

GeneDx
Classification: Uncertain significance. Last evaluated: 2022-06-20. Review status: criteria provided, single submitter. Criteria: GeneDx Variant Classification Process June 2021. Collection method: clinical testing. Allele origin: germline. Affected: yes.
Comment: In silico analysis supports that this missense variant has a deleterious effect on protein structure/function; Has not been previously published as pathogenic or benign to our knowledge